The following is an entry in ClinVar:

ClinVar aggregate classification (germline): Uncertain significance (1 of 4 stars; one submission).

Allele frequency attached by ClinVar (database versions not stated): TOPMed below 0.00001; gnomAD exomes 0.00001; ExAC 0.00007.
gnomAD v4.1: 14 of 1,610,464 alleles (0.00087%); highest among the groups gnomAD compares: South Asian, 0.0011%; no homozygotes.

Submission:

Labcorp Genetics (formerly Invitae), Labcorp
Classification: Uncertain significance. Last evaluated: 2022-05-16. Review status: criteria provided, single submitter. Criteria: Invitae Variant Classification Sherloc (09022015). Collection method: clinical testing. Allele origin: germline.
Comment: In summary, the available evidence is currently insufficient to determine the role of this variant in disease. Therefore, it has been classified as a Variant of Uncertain Significance. Algorithms developed to predict the effect of missense changes on protein structure and function output the following: SIFT: "Tolerated"; PolyPhen-2: "Benign"; Align-GVGD: "Class C0". The methionine amino acid residue is found in multiple mammalian species, which suggests that this missense change does not adversely affect protein function. This variant has not been reported in the literature in individuals affected with MCM3AP-related conditions. This variant is present in population databases (rs777057473, gnomAD 0.005%). This sequence change replaces valine, which is neutral and non-polar, with methionine, which is neutral and non-polar, at codon 1270 of the MCM3AP protein (p.Val1270Met).

NM_003906.5(MCM3AP):c.3808G>A (p.Val1270Met)

Gene: MCM3AP (minichromosome maintenance complex component 3 associated protein; minus strand). Cytogenetic location: 21q22.3.
Variant type: single nucleotide variant.
Coding change: c.3808G>A on transcript NM_003906.5 (MANE Select); coding-DNA position 3808, G replaced by A.
Protein change: p.Val1270Met; replaces valine 1270 with methionine.
Molecular consequence: missense variant.
Genome position (GRCh38, 1-based): chr21:46,256,913, C>T on the plus strand (G>A on the coding strand, the complement: MCM3AP is on the minus strand). VCF-style: chr21-46256913-C-T. GRCh37 (hg19) VCF-style: chr21-47676827-C-T.
Other names: short protein forms V1270M.
Identifiers: ClinVar variation 1953121 (VCV001953121.5), dbSNP rs777057473, ClinGen allele CA10076364.